The following is an entry in ClinVar:

NM_005559.4(LAMA1):c.4607G>A (p.Gly1536Glu)

Gene: LAMA1 (laminin subunit alpha 1; minus strand). Cytogenetic location: 18p11.31.
Variant type: single nucleotide variant.
Coding change: c.4607G>A on transcript NM_005559.4 (MANE Select); coding-DNA position 4607, G replaced by A.
Protein change: p.Gly1536Glu; replaces glycine 1536 with glutamic acid.
Molecular consequence: missense variant.
Genome position (GRCh38, 1-based): chr18:6,999,501, C>T on the plus strand (G>A on the coding strand, the complement: LAMA1 is on the minus strand). VCF-style: chr18-6999501-C-T. GRCh37 (hg19) VCF-style: chr18-6999500-C-T.
Other names: short protein forms G1536E.
Identifiers: ClinVar variation 1476743 (VCV001476743.5), dbSNP rs2144091010, ClinGen allele CA401846458.
Genomic context (GRCh38, chr18:6,999,501, plus strand): 5'-TCACAAACACAATCTGTTTCCATCAGAATGTGCCTCGGTTCACACTCATCGCACCGGAGC[C>T]CCGAGGCCCCCAGCCTGCAAACGCACTGCCCAGATGTGCGGTCACAGTCACCGTGGACAG-3'
Protein context (NP_005550.2, residues 1526-1546): GQCVCRLGAS[Gly1536Glu]LRCDECEPRH

ClinVar aggregate classification (germline): Uncertain significance (1 of 4 stars; one submission).

Allele frequency attached by ClinVar (database versions not stated): gnomAD exomes 0.00001.
gnomAD v4.1: 5 of 1,614,078 alleles (0.00031%); highest among the groups gnomAD compares: Non-Finnish European, 0.00042%; no homozygotes.

Submission:

Labcorp Genetics (formerly Invitae), Labcorp
Classification: Uncertain significance. Last evaluated: 2022-08-31. Review status: criteria provided, single submitter. Criteria: Invitae Variant Classification Sherloc (09022015). Collection method: clinical testing. Allele origin: germline.
Comment: This sequence change replaces glycine, which is neutral and non-polar, with glutamic acid, which is acidic and polar, at codon 1536 of the LAMA1 protein (p.Gly1536Glu). This variant is not present in population databases (gnomAD no frequency). This variant has not been reported in the literature in individuals affected with LAMA1-related conditions. ClinVar contains an entry for this variant (Variation ID: 1476743). Algorithms developed to predict the effect of missense changes on protein structure and function are either unavailable or do not agree on the potential impact of this missense change (SIFT: "Deleterious"; PolyPhen-2: "Probably Damaging"; Align-GVGD: "Class C0"). In summary, the available evidence is currently insufficient to determine the role of this variant in disease. Therefore, it has been classified as a Variant of Uncertain Significance.